The following is an entry in ClinVar:

NM_007194.4(CHEK2):c.377A>C (p.Asp126Ala)

Gene: CHEK2 (checkpoint kinase 2; minus strand). Cytogenetic location: 22q12.1.
Variant type: single nucleotide variant.
Coding change: c.377A>C on transcript NM_007194.4 (MANE Select); coding-DNA position 377, A replaced by C.
Protein change: p.Asp126Ala; replaces aspartic acid 126 with alanine.
Molecular consequence: missense variant.
Genome position (GRCh38, 1-based): chr22:28,725,310, T>G on the plus strand (A>C on the coding strand, the complement: CHEK2 is on the minus strand). VCF-style: chr22-28725310-T-G. GRCh37 (hg19) VCF-style: chr22-29121298-T-G.
Other names: c.506A>C, p.Asp169Ala (NM_001005735.3); c.-401A>C (NM_001257387.3); c.377A>C, p.Asp126Ala (NM_001349956.3, NM_145862.3); short protein forms D169A, D126A.
Identifiers: ClinVar variation 2853062 (VCV002853062.3), dbSNP rs864622541, ClinGen allele CA411108094.

ClinVar aggregate classification (germline): Uncertain significance (1 of 4 stars; one submission).

Conditions:
Familial cancer of breast. Also called: BREAST CANCER, FAMILIAL; hereditary breast carcinoma; Hereditary breast cancer. Identifiers: Orphanet 227535, MedGen C0346153, MONDO:0016419, OMIM 114480. Disease mechanism: loss of function.

Submission:

Labcorp Genetics (formerly Invitae), Labcorp
Classification: Uncertain significance for Familial cancer of breast. Last evaluated: 2023-04-07. Review status: criteria provided, single submitter. Criteria: Invitae Variant Classification Sherloc (09022015). Collection method: clinical testing. Allele origin: germline.
Comment: In summary, the available evidence is currently insufficient to determine the role of this variant in disease. Therefore, it has been classified as a Variant of Uncertain Significance. An algorithm developed to predict the effect of missense changes on protein structure and function (PolyPhen-2) suggests that this variant is likely to be tolerated. This variant has not been reported in the literature in individuals affected with CHEK2-related conditions. This variant is not present in population databases (gnomAD no frequency). This sequence change replaces aspartic acid, which is acidic and polar, with alanine, which is neutral and non-polar, at codon 126 of the CHEK2 protein (p.Asp126Ala).